The following is an entry in ClinVar:

NM_004656.4(BAP1):c.1042C>G (p.Pro348Ala)

Gene: BAP1 (BRCA1 associated deubiquitinase 1; minus strand). Cytogenetic location: 3p21.1.
Variant type: single nucleotide variant.
Coding change: c.1042C>G on transcript NM_004656.4 (MANE Select); coding-DNA position 1042, C replaced by G.
Protein change: p.Pro348Ala; replaces proline 348 with alanine.
Molecular consequence: missense variant.
Genome position (GRCh38, 1-based): chr3:52,405,184, G>C on the plus strand (C>G on the coding strand, the complement: BAP1 is on the minus strand). VCF-style: chr3-52405184-G-C. GRCh37 (hg19) VCF-style: chr3-52439200-G-C.
Other names: short protein forms P348A.
Identifiers: ClinVar variation 818306 (VCV000818306.12), dbSNP rs1250297448, ClinGen allele CA353105798.

ClinVar aggregate classification (germline): Uncertain significance. Review status: criteria provided, multiple submitters, no conflicts (2 of 4 stars). 3 submissions from 3 submitters: Uncertain significance (3). Last evaluated 2024-09-28.

Conditions:
BAP1-related tumor predisposition syndrome (TPDS1). Also called: Tumor susceptibility linked to germline BAP1 mutations; BAP1 tumor predisposition syndrome; COMMON Syndrome; TUMOR PREDISPOSITION SYNDROME 1. Identifiers: Orphanet 289539, MedGen C3280492, MONDO:0013692, OMIM 614327.
Hereditary cancer-predisposing syndrome. Also called: Tumor predisposition; Hereditary neoplastic syndrome; Neoplastic Syndromes, Hereditary; Hereditary Cancer Syndrome. Identifiers: Orphanet 140162, MedGen C0027672, MeSH D009386, MONDO:0015356.

Submissions (3):

Labcorp Genetics (formerly Invitae), Labcorp
Classification: Uncertain significance for BAP1-related tumor predisposition syndrome. Last evaluated: 2024-09-28. Review status: criteria provided, single submitter. Criteria: Invitae Variant Classification Sherloc (09022015). Collection method: clinical testing. Allele origin: germline.
Comment: This sequence change replaces proline, which is neutral and non-polar, with alanine, which is neutral and non-polar, at codon 348 of the BAP1 protein (p.Pro348Ala). This variant is not present in population databases (gnomAD no frequency). This variant has not been reported in the literature in individuals affected with BAP1-related conditions. ClinVar contains an entry for this variant (Variation ID: 818306). Invitae Evidence Modeling of protein sequence and biophysical properties (such as structural, functional, and spatial information, amino acid conservation, physicochemical variation, residue mobility, and thermodynamic stability) indicates that this missense variant is not expected to disrupt BAP1 protein function with a negative predictive value of 80%. RNA analysis performed to evaluate the impact of this missense change on mRNA splicing indicates it does not significantly alter splicing (Invita). In summary, the available evidence is currently insufficient to determine the role of this variant in disease. Therefore, it has been classified as a Variant of Uncertain Significance.

Color Diagnostics, LLC DBA Color Health
Classification: Uncertain significance for Hereditary cancer-predisposing syndrome. Last evaluated: 2024-03-06. Review status: criteria provided, single submitter. Criteria: ACMG Guidelines, 2015. Collection method: clinical testing. Allele origin: germline.
Comment: This missense variant replaces proline with alanine at codon 348 of the BAP1 protein. Computational prediction suggests that this variant may not impact protein structure and function (internally defined REVEL score threshold <= 0.5, PMID: 27666373). To our knowledge, functional studies have not been reported for this variant. This variant has not been reported in individuals affected with hereditary cancer in the literature. This variant has not been identified in the general population by the Genome Aggregation Database (gnomAD). The available evidence is insufficient to determine the role of this variant in disease conclusively. Therefore, this variant is classified as a Variant of Uncertain Significance.

Ambry Genetics
Classification: Uncertain significance for Hereditary cancer-predisposing syndrome. Last evaluated: 2021-08-19. Review status: criteria provided, single submitter. Criteria: Ambry Variant Classification Scheme 2023. Collection method: clinical testing. Allele origin: germline.
Comment: The p.P348A variant (also known as c.1042C>G), located in coding exon 11 of the BAP1 gene, results from a C to G substitution at nucleotide position 1042. The proline at codon 348 is replaced by alanine, an amino acid with highly similar properties. This amino acid position is not well conserved in available vertebrate species. In addition, this alteration is predicted to be tolerated by in silico analysis. Since supporting evidence is limited at this time, the clinical significance of this alteration remains unclear.